The following is an entry in ClinVar:

NM_001267550.2(TTN):c.73954del (p.Ile24652fs)

Genes: TTN (titin; minus strand), TTN-AS1 (TTN antisense RNA 1; plus strand). Cytogenetic location: 2q31.2.
Variant type: Deletion.
Coding change: c.73954del on transcript NM_001267550.2 (MANE Select); coding-DNA position 73954, one base deleted (A; older notation c.73954delA).
Protein change: p.Ile24652fs; shifts the reading frame from isoleucine 24652.
Molecular consequence: frameshift variant.
Genome position (GRCh38, 1-based): chr2:178,572,178, T deleted on the plus strand (A on the coding strand, the reverse complement: TTN is on the minus strand). VCF-style (leftmost placement, unchanged base first): chr2-178572177-AT-A. GRCh37 (hg19) VCF-style: chr2-179436904-AT-A.
Other names: c.69031del, p.Ile23011fs (NM_001256850.1); c.46759del, p.Ile15587fs (NM_003319.4); c.66250del, p.Ile22084fs (NM_133378.4); c.47134del, p.Ile15712fs (NM_133432.3); c.47335del, p.Ile15779fs (NM_133437.4); c.46759delA (NM_003319.4); short protein forms I23011fs, I15587fs, I15712fs, I22084fs, I24652fs, I15779fs.
Identifiers: ClinVar variation 3975782 (VCV003975782.1).

ClinVar aggregate classification (germline): Likely pathogenic (1 of 4 stars; one submission).

Conditions:
Cardiovascular phenotype. Identifiers: MedGen CN230736.

Submission:

Ambry Genetics
Classification: Likely pathogenic for Cardiovascular phenotype. Last evaluated: 2025-04-03. Review status: criteria provided, single submitter. Criteria: Ambry Variant Classification Scheme 2023. Collection method: clinical testing. Allele origin: germline.
Comment: The c.46759delA variant, located in coding exon 153 of the TTN gene, results from a deletion of one nucleotide at nucleotide position 46759, causing a translational frameshift with a predicted alternate stop codon (p.I15587Lfs*28). This exon is located in the A-band region of the N2-B isoform of the titin protein and is constitutively expressed in TTN transcripts (percent spliced in or PSI 100%). This variant is considered to be rare based on population cohorts in the Genome Aggregation Database (gnomAD). This variant is expected to result in loss of function by premature protein truncation or nonsense-mediated mRNA decay. While truncating variants in TTN are present in 1-3% of the general population, truncating variants in the A-band are the most common cause of dilated cardiomyopathy (Herman DS et al. N. Engl. J. Med., 2012 Feb;366:619-28; Roberts AM et al. Sci Transl Med, 2015 Jan;7:270ra6). TTN truncating variants encoded in constitutive exons (PSI >90%) have been found to be significantly associated with DCM regardless of their position in titin (Schafer S et al. Nat. Genet., 2017 01;49:46-53; Akhtar MM et al. Circ Heart Fail, 2020 Oct;13:e006832; Massier M et al. Clin Genet, 2025 Jan). Based on the majority of available evidence to date, this variant is likely to be pathogenic.